The following is an entry in ClinVar:

NM_000492.4(CFTR):c.1543_1555del (p.Tyr515fs)

Genes: CFTR-AS1 (CFTR antisense RNA 1; minus strand), CFTR (CF transmembrane conductance regulator; plus strand). Cytogenetic location: 7q31.2.
Variant type: Deletion.
Coding change: c.1543_1555del on transcript NM_000492.4 (MANE Select); coding-DNA positions 1543 to 1555, 13 bases deleted (TATAGATACAGAA).
Protein change: p.Tyr515fs; shifts the reading frame from tyrosine 515.
Molecular consequence: frameshift variant.
Genome position (GRCh38, 1-based): chr7:117,559,614-117,559,626, TATAGATACAGAA deleted; deleting any 13 consecutive bases within chr7:117,559,611-117,559,626 gives the same sequence; the c. name uses the placement nearest the transcript's 3' end. VCF-style (leftmost placement, unchanged base first): chr7-117559610-TGAATATAGATACA-T. GRCh37 (hg19) VCF-style: chr7-117199664-TGAATATAGATACA-T.
Other names: c.1543_1555delTATAGATACAGAA (NM_000492.3); c.1543_1555del13 (NM_000492.3, NM_000492.4); short protein forms Y515fs.
Identifiers: ClinVar variation 638949 (VCV000638949.18), dbSNP rs1301983423, ClinGen allele CA577218121.

ClinVar aggregate classification (germline): Pathogenic/Likely pathogenic. Review status: criteria provided, multiple submitters, no conflicts (2 of 4 stars). 7 submissions from 7 submitters: Pathogenic (4); Likely pathogenic (3). Last evaluated 2026-04-01.

Conditions:
CFTR-related disorder (CFTR-RD). Also called: CFTR-related disorders; CFTR-related condition. Identifiers: MedGen C5924204, MONDO:7770004.
Cystic fibrosis (CF). Also called: MUCOVISCIDOSIS. Identifiers: Orphanet 586, MedGen C0010674, MONDO:0009061, OMIM 219700. Disease mechanism: loss of function.

Submissions (7):

GeneDx
Classification: Pathogenic. Last evaluated: 2026-04-01. Review status: criteria provided, single submitter. Criteria: GeneDx Variant Classification Process June 2021. Collection method: clinical testing. Allele origin: germline.
Comment: Identified in a patient with cystic fibrosis in published literature; however, information regarding the presence of another CFTR variant was not provided (PMID: 28471435); Not observed at significant frequency in large population cohorts (gnomAD); Frameshift variant predicted to result in protein truncation or nonsense mediated decay in a gene for which loss of function is a known mechanism of disease; This variant is associated with the following publications: (PMID: 7691345, 9725922, 1695717, 28471435)

PreventionGenetics, part of Exact Sciences
Classification: Likely pathogenic for CFTR-related condition. Last evaluated: 2026-03-03. Review status: criteria provided, single submitter. Criteria: ACMG Guidelines, 2015. Collection method: clinical testing. Allele origin: germline.
Comment: The CFTR c.1543_1555del13 variant is predicted to result in a frameshift and premature protein termination (p.Tyr515Alafs*8). This variant was reported in an individual with cystic fibrosis, although no details were provided about the second CFTR variant in this individual (Currier et al 2017. PubMed ID: 28471435). This variant is reported in 0.0029% of alleles in individuals of Latino descent in gnomAD. Frameshift variants in CFTR are expected to be pathogenic. This variant is interpreted as likely pathogenic.

Natera, Inc.
Classification: Likely pathogenic for CFTR-related disorders. Last evaluated: 2025-08-28. Review status: criteria provided, single submitter. Criteria: Natera Variant Classification Schema (03/2026). Collection method: clinical testing. Allele origin: germline.
Comment: The c.1543_1555delTATAGATACAGAA variant in CFTR is a frameshift variant predicted to shift the reading frame beginning at codon 515 and leads to a stop codon 8 codons downstream. This variant is expected to result in nonsense mediated decay, truncation, or a dysfunctional protein product. This variant is rare in the general population with a frequency below the threshold expected for the associated phenotype(s). Given the available evidence, this variant is classified as Likely Pathogenic.

Women's Health and Genetics/Laboratory Corporation of America, LabCorp
Classification: Pathogenic for Cystic fibrosis. Last evaluated: 2025-05-07. Review status: criteria provided, single submitter. Criteria: LabCorp Variant Classification Summary - May 2015. Collection method: clinical testing. Allele origin: germline.
Comment: Variant summary: CFTR c.1543_1555del13 (p.Tyr515AlafsX8) results in a premature termination codon, predicted to cause a truncation of the encoded protein or absence of the protein due to nonsense mediated decay, which are commonly known mechanisms for disease. The variant allele was found at a frequency of 4e-06 in 251196 control chromosomes. c.1543_1555del13 has been observed in individual(s) affected with Cystic Fibrosis (example: Currier_017). The following publication has been ascertained in the context of this evaluation (PMID: 28471435). ClinVar contains an entry for this variant (Variation ID: 638949). Based on the evidence outlined above, the variant was classified as pathogenic.

Labcorp Genetics (formerly Invitae), Labcorp
Classification: Pathogenic for Cystic fibrosis. Last evaluated: 2023-10-23. Review status: criteria provided, single submitter. Criteria: Invitae Variant Classification Sherloc (09022015). Collection method: clinical testing. Allele origin: germline.
Comment: This sequence change creates a premature translational stop signal (p.Tyr515Alafs*8) in the CFTR gene. It is expected to result in an absent or disrupted protein product. Loss-of-function variants in CFTR are known to be pathogenic (PMID: 1695717, 7691345, 9725922). This variant is present in population databases (no rsID available, gnomAD 0.003%). This premature translational stop signal has been observed in individual(s) with cystic fibrosis (PMID: 28471435). ClinVar contains an entry for this variant (Variation ID: 638949). For these reasons, this variant has been classified as Pathogenic.

Quest Diagnostics Nichols Institute San Juan Capistrano
Classification: Pathogenic. Last evaluated: 2023-02-23. Review status: criteria provided, single submitter. Criteria: Quest Diagnostics criteria. Collection method: clinical testing. Allele origin: unknown.
Comment: This frameshift variant alters the translational reading frame of the CFTR mRNA and is predicted to cause the premature termination of CFTR protein synthesis. The frequency of this variant in the general population, 0.000004 (1/251196 chromosomes), is consistent with pathogenicity. In the published literature, the variant has been reported in an individual with Cystic Fibrosis (PMID: 28471435 (2017)). Based on the available information, this variant is classified as pathogenic.

Mayo Clinic Laboratories, Mayo Clinic
Classification: Likely pathogenic. Last evaluated: 2020-05-01. Review status: criteria provided, single submitter. Criteria: ACMG Guidelines, 2015. Collection method: clinical testing. Allele origin: germline. Observed: 1 variant allele.
Comment: PVS1, PM2

Literature cited by the submitters: PubMed 28471435 (cited by 4 submitters); PubMed 1695717 (cited by Labcorp Genetics (formerly Invitae), Labcorp); PubMed 7691345 (cited by Labcorp Genetics (formerly Invitae), Labcorp); PubMed 9725922 (cited by Labcorp Genetics (formerly Invitae), Labcorp).